The following is an entry in ClinVar:

ClinVar aggregate classification (germline): Uncertain significance. Review status: criteria provided, multiple submitters, no conflicts (2 of 4 stars). 2 submissions from 2 submitters: Uncertain significance (2). Last evaluated 2025-06-16.

Conditions:
Hereditary breast ovarian cancer syndrome. Also called: BRCA1- and BRCA2-Associated Hereditary Breast and Ovarian Cancer; Hereditary breast and ovarian cancer; Hereditary breast and ovarian cancer syndrome; Breast and ovarian cancer; Hereditary breast and ovarian cancer syndrome (HBOC); Hereditary breast and/or ovarian cancer syndrome. Identifiers: Orphanet 145, MedGen C0677776, MeSH D061325, MONDO:0003582. Disease mechanism: loss of function.
Hereditary cancer-predisposing syndrome. Also called: Neoplastic Syndromes, Hereditary; Tumor predisposition; Hereditary neoplastic syndrome; Hereditary Cancer Syndrome. Identifiers: Orphanet 140162, MedGen C0027672, MeSH D009386, MONDO:0015356.

Submissions (2):

Ambry Genetics
Classification: Uncertain significance for Hereditary cancer-predisposing syndrome. Last evaluated: 2025-06-16. Review status: criteria provided, single submitter. Criteria: Ambry Variant Classification Scheme 2023. Collection method: clinical testing. Allele origin: germline.
Comment: The p.T1620I variant (also known as c.4859C>T), located in coding exon 14 of the BRCA1 gene, results from a C to T substitution at nucleotide position 4859. The threonine at codon 1620 is replaced by isoleucine, an amino acid with similar properties. This amino acid position is not well conserved in available vertebrate species. In addition, the in silico prediction for this alteration is inconclusive. Based on the available evidence, the clinical significance of this variant remains unclear.

Labcorp Genetics (formerly Invitae), Labcorp
Classification: Uncertain significance for Hereditary breast ovarian cancer syndrome. Last evaluated: 2023-04-22. Review status: criteria provided, single submitter. Criteria: Invitae Variant Classification Sherloc (09022015). Collection method: clinical testing. Allele origin: germline.
Comment: In summary, the available evidence is currently insufficient to determine the role of this variant in disease. Therefore, it has been classified as a Variant of Uncertain Significance. Advanced modeling of protein sequence and biophysical properties (such as structural, functional, and spatial information, amino acid conservation, physicochemical variation, residue mobility, and thermodynamic stability) performed at Invitae indicates that this missense variant is not expected to disrupt BRCA1 protein function. This variant has not been reported in the literature in individuals affected with BRCA1-related conditions. This variant is not present in population databases (gnomAD no frequency). This sequence change replaces threonine, which is neutral and polar, with isoleucine, which is neutral and non-polar, at codon 1620 of the BRCA1 protein (p.Thr1620Ile).

NM_007294.4(BRCA1):c.4859C>T (p.Thr1620Ile)

Gene: BRCA1 (BRCA1 DNA repair associated; minus strand). Cytogenetic location: 17q21.31.
Variant type: single nucleotide variant.
Coding change: c.4859C>T on transcript NM_007294.4 (MANE Select); coding-DNA position 4859, C replaced by T.
Protein change: p.Thr1620Ile; replaces threonine 1620 with isoleucine.
Molecular consequence: missense variant. On other transcripts: intron variant (1).
Genome position (GRCh38, 1-based): chr17:43,071,055, G>A on the plus strand (C>T on the coding strand, the complement: BRCA1 is on the minus strand). VCF-style: chr17-43071055-G-A. GRCh37 (hg19) VCF-style: chr17-41223072-G-A.
Other names: c.4733C>T, p.Thr1578Ile (NM_001407676.1, NM_001407677.1, NM_001407678.1 and 11 more transcripts); c.4730C>T, p.Thr1577Ile (NM_001407681.1, NM_001407682.1, NM_001407683.1 and 6 more transcripts); c.4859C>T, p.Thr1620Ile (NM_001407684.1, NM_001407593.1, NM_001407594.1 and 8 more transcripts); c.4727C>T, p.Thr1576Ile (NM_001407690.1, NM_001407691.1); c.4718C>T, p.Thr1573Ile (NM_001407692.1, NM_001407694.1, NM_001407695.1 and 13 more transcripts); c.4715C>T, p.Thr1572Ile (NM_001407734.1, NM_001407735.1, NM_001407736.1 and 21 more transcripts); c.4646C>T, p.Thr1549Ile (NM_001407571.1, NM_001407894.1, NM_001407895.1 and 12 more transcripts); c.4925C>T, p.Thr1642Ile (NM_001407581.1, NM_001407582.1); and 71 more; short protein forms T1466I, T1492I, T1572I, T1593I, T1600I, T349I, T389I, T427I.
Identifiers: ClinVar variation 3014818 (VCV003014818.4), dbSNP rs2153830314, ClinGen allele CA10591807.